The following is an entry in ClinVar:

ClinVar aggregate classification (germline): Uncertain significance (1 of 4 stars; one submission).

Conditions:
Malignant hyperthermia, susceptibility to, 1 (MHS1). Also called: Anesthesia related hyperthermia; Malignant hyperpyrexia; Fulminating hyperpyrexia; Pharmacogenic myopathy; Malignant hyperthermia suceptibility 1; RYR1-Related Malignant Hyperthermia Susceptibility. Identifiers: Orphanet 423, MedGen C2930980, MONDO:0007783, OMIM 145600.

gnomAD v4.1: 1 of 1,613,668 alleles (0.000062%); highest among the groups gnomAD compares: Non-Finnish European, 0.000085%; no homozygotes.

Submission:

All of Us Research Program, National Institutes of Health
Classification: Uncertain significance for Malignant hyperthermia, susceptibility to, 1. Last evaluated: 2024-07-20. Review status: criteria provided, single submitter. Criteria: ACMG Guidelines, 2015. Collection method: clinical testing. Allele origin: germline. Inheritance: Autosomal dominant inheritance. Observed: 1 variant allele, 1 heterozygote.
Comment: This missense variant replaces threonine with serine at codon 3538 of the RYR1 protein. Computational prediction suggests that this variant may not impact protein structure and function (internally defined REVEL score threshold <= 0.5, PMID: 27666373). To our knowledge, functional studies have not been reported for this variant. This variant has not been reported in individuals affected with RYR1-related disorders in the literature. This variant has not been identified in the general population by the Genome Aggregation Database (gnomAD). The available evidence is insufficient to determine the role of this variant in disease conclusively. Therefore, this variant is classified as a Variant of Uncertain Significance.

This study involves interpretation of variants in research participants for the purpose of population health screening. Participant phenotype was not available at the time of variant classification. Additional details can be found in publication PMID: 35346344, PMCID: PMC8962531

NM_000540.3(RYR1):c.10612A>T (p.Thr3538Ser)

Gene: RYR1 (ryanodine receptor 1; plus strand). Cytogenetic location: 19q13.2.
Variant type: single nucleotide variant.
Coding change: c.10612A>T on transcript NM_000540.3 (MANE Select); coding-DNA position 10612, A replaced by T.
Protein change: p.Thr3538Ser; replaces threonine 3538 with serine.
Molecular consequence: missense variant.
Genome position (GRCh38, 1-based): chr19:38,525,488, A>T. VCF-style: chr19-38525488-A-T. GRCh37 (hg19) VCF-style: chr19-39016128-A-T.
Other names: c.10597A>T, p.Thr3533Ser (NM_001042723.2); short protein forms T3533S, T3538S.
Identifiers: ClinVar variation 3385536 (VCV003385536.1).